The following is an entry in ClinVar:

NM_000051.4(ATM):c.8011-13A>C

Genes: ATM (ATM serine/threonine kinase; plus strand), C11orf65 (chromosome 11 open reading frame 65; minus strand). Cytogenetic location: 11q22.3.
Variant type: single nucleotide variant.
Coding change: c.8011-13A>C on transcript NM_000051.4 (MANE Select); 13 bases into the intron before coding-DNA position 8011, A replaced by C.
Molecular consequence: intron variant.
Genome position (GRCh38, 1-based): chr11:108,334,956, A>C. VCF-style: chr11-108334956-A-C. GRCh37 (hg19) VCF-style: chr11-108205683-A-C.
Other names: c.8011-13A>C (NM_001351834.2); c.641-25885T>G (NM_001330368.2); c.*38+264T>G (NM_001351110.2).
Identifiers: ClinVar variation 3254305 (VCV003254305.1), dbSNP rs1488113378.

ClinVar aggregate classification (germline): Likely benign (1 of 4 stars; one submission).

Conditions:
Familial cancer of breast. Also called: hereditary breast carcinoma; BREAST CANCER, FAMILIAL; Hereditary breast cancer. Identifiers: Orphanet 227535, MedGen C0346153, MONDO:0016419, OMIM 114480. Disease mechanism: loss of function.

Submission:

Myriad Genetics, Inc.
Classification: Likely benign for Familial cancer of breast. Last evaluated: 2024-06-18. Review status: criteria provided, single submitter. Criteria: Myriad Autosomal Dominant, Autosomal Recessive and X-Linked Classification Criteria (2023). Collection method: clinical testing. Allele origin: unknown.
Comment: This variant is considered likely benign. This variant is intronic and is not expected to impact mRNA splicing.